The following is an entry in ClinVar:

ClinVar aggregate classification (germline): Conflicting classifications of pathogenicity. Review status: criteria provided, conflicting classifications (1 of 4 stars). 3 submissions from 3 submitters: Likely pathogenic (1); Uncertain significance (2). Last evaluated 2025-03-22.

Conditions:
Juvenile polyposis syndrome (JPS). Identifiers: Orphanet 2929, MedGen C0345893, MONDO:0017380, OMIM 174900.
Hereditary cancer-predisposing syndrome. Also called: Hereditary Cancer Syndrome; Hereditary neoplastic syndrome; Neoplastic Syndromes, Hereditary; Tumor predisposition. Identifiers: Orphanet 140162, MedGen C0027672, MeSH D009386, MONDO:0015356.

Submissions (3):

Ambry Genetics
Classification: Likely pathogenic for Hereditary cancer-predisposing syndrome. Last evaluated: 2025-03-22. Review status: criteria provided, single submitter. Criteria: Ambry Variant Classification Scheme 2023. Collection method: clinical testing. Allele origin: germline.
Comment: The c.869-9A>G intronic variant results from an A to G substitution 9 nucleotides upstream from coding exon 8 in the BMPR1A gene. This alteration has been observed in at least one individual with a personal and/or family history that is consistent with juvenile polyposis syndrome (Ambry internal data). This nucleotide position is well conserved in available vertebrate species. In silico splice site analysis predicts that this alteration will weaken the native splice acceptor site and will result in the creation or strengthening of a novel splice acceptor site. RNA studies have demonstrated that this alteration results in abnormal splicing in the set of samples tested (Ambry internal data). Based on the majority of available evidence to date, this variant is likely to be pathogenic.

Labcorp Genetics (formerly Invitae), Labcorp
Classification: Uncertain significance for Juvenile polyposis syndrome. Last evaluated: 2024-10-15. Review status: criteria provided, single submitter. Criteria: Invitae Variant Classification Sherloc (09022015). Collection method: clinical testing. Allele origin: germline.
Comment: This sequence change falls in intron 9 of the BMPR1A gene. It does not directly change the encoded amino acid sequence of the BMPR1A protein. This variant is not present in population databases (gnomAD no frequency). This variant has not been reported in the literature in individuals affected with BMPR1A-related conditions. ClinVar contains an entry for this variant (Variation ID: 1331976). Algorithms developed to predict the effect of sequence changes on RNA splicing suggest that this variant may disrupt the consensus splice site. In summary, the available evidence is currently insufficient to determine the role of this variant in disease. Therefore, it has been classified as a Variant of Uncertain Significance.

Color Diagnostics, LLC DBA Color Health
Classification: Uncertain significance for Hereditary cancer-predisposing syndrome. Last evaluated: 2021-04-13. Review status: criteria provided, single submitter. Criteria: ACMG Guidelines, 2015. Collection method: clinical testing. Allele origin: germline.
Comment: This variant causes an A to G nucleotide substitution at the -9 position of intron 9 of the BMPR1A gene. Splice site prediction tools suggest that this variant may have a significant impact on RNA splicing. The variant also creates a new AG acceptor site which may compete with the native acceptor site. Utilization of the new acceptor site would be expected to result in an out-of-frame transcript, creating a frameshift and premature translation stop signal and result in an absent or non-functional protein product. To our knowledge, functional studies have not been reported for this variant. This variant has not been reported in individuals affected with hereditary cancer in the literature. This variant has not been identified in the general population by the Genome Aggregation Database (gnomAD). The available evidence is insufficient to determine the role of this variant in disease conclusively. Therefore, this variant is classified as a Variant of Uncertain Significance.

NM_004329.3(BMPR1A):c.869-9A>G

Gene: BMPR1A (bone morphogenetic protein receptor type 1A; plus strand). Cytogenetic location: 10q23.2.
Variant type: single nucleotide variant.
Coding change: c.869-9A>G on transcript NM_004329.3 (MANE Select); 9 bases into the intron before coding-DNA position 869, A replaced by G.
Molecular consequence: intron variant.
Genome position (GRCh38, 1-based): chr10:86,919,163, A>G. VCF-style: chr10-86919163-A-G. GRCh37 (hg19) VCF-style: chr10-88678920-A-G.
Identifiers: ClinVar variation 1331976 (VCV001331976.11), dbSNP rs2133588734, ClinGen allele CA1139771717.